The following is an entry in ClinVar:

ClinVar aggregate classification (germline): Uncertain significance. Review status: criteria provided, multiple submitters, no conflicts (2 of 4 stars). 4 submissions from 4 submitters: Uncertain significance (4). Last evaluated 2024-11-15.

Conditions:
STRC-related disorder. Also called: STRC-related condition.
Autosomal recessive nonsyndromic hearing loss 16. Also called: DFNB16 Nonsyndromic Hearing Loss and Deafness; DEAFNESS, AUTOSOMAL RECESSIVE 16. Identifiers: Orphanet 90636, MedGen C1863561, MONDO:0011364, OMIM 603720.

Allele frequency attached by ClinVar (database versions not stated): gnomAD 0.00013 and 0.00014; ExAC 0.00016.

Submissions (4):

PreventionGenetics, part of Exact Sciences
Classification: Uncertain significance for STRC-related condition. Last evaluated: 2024-11-15. Review status: criteria provided, single submitter. Criteria: ACMG Guidelines, 2015. Collection method: clinical testing. Allele origin: germline.
Comment: The STRC c.3307-5T>G variant is predicted to interfere with splicing. This variant is predicted to alter splicing based on available splicing prediction software (SpliceAI, Jaganathan et al. 2019. PubMed ID: 30661751). However, the use of computer prediction softwares is not equivalent to functional evidence. To our knowledge, this variant has not been reported in the literature. This variant is reported in 0.045% of alleles in individuals of Latino descent in gnomAD. At this time, the clinical significance of this variant is uncertain due to the absence of conclusive functional and genetic evidence.

GeneDx
Classification: Uncertain significance. Last evaluated: 2024-10-10. Review status: criteria provided, single submitter. Criteria: GeneDx Variant Classification Process June 2021. Collection method: clinical testing. Allele origin: germline.
Comment: Identified without a second STRC variant in a patient with bilateral sensorineural hearing loss, however, this patient harbored single variants in other hearing loss genes (PMID: 29907799); In silico analysis supports a deleterious effect on splicing; This variant is associated with the following publications: (PMID: 29907799)

Laboratory for Molecular Medicine, Mass General Brigham Personalized Medicine
Classification: Uncertain significance. Last evaluated: 2013-11-19. Review status: criteria provided, single submitter. Criteria: LMM Criteria. Collection method: clinical testing. Allele origin: germline. Observed: 2 variant alleles.
Comment: Variant classified as Uncertain Significance - Favor Pathogenic. The 3307-5T>G v ariant in STRC has not been previously reported in individuals with hearing loss or in large population studies. This variant is located in the 3' splice region and diverges from the semi-conserved -5 position within splice site consensus s equence. In addition, computational tools suggest that the variant may lead to a bnormal splicing. However, this information is not predictive enough to determin e pathogenicity. In summary, the clinical significance of this variant cannot be determined with certainty; however based upon the conservation and computationa l data, we would lean towards a more likely pathogenic role.

Genome-Nilou Lab
Classification: Uncertain significance for Autosomal recessive nonsyndromic hearing loss 16. Review status: criteria provided, single submitter. Criteria: ACMG Guidelines, 2015. Collection method: clinical testing. Allele origin: germline.

NM_153700.2(STRC):c.3307-5T>G

Gene: STRC (stereocilin; minus strand). Cytogenetic location: 15q15.3.
Variant type: single nucleotide variant.
Coding change: c.3307-5T>G on transcript NM_153700.2 (MANE Select); 5 bases into the intron before coding-DNA position 3307, T replaced by G.
Molecular consequence: intron variant.
Genome position (GRCh38, 1-based): chr15:43,610,989, A>C on the plus strand (T>G on the coding strand, the complement: STRC is on the minus strand). VCF-style: chr15-43610989-A-C. GRCh37 (hg19) VCF-style: chr15-43903187-A-C.
Identifiers: ClinVar variation 165317 (VCV000165317.10), dbSNP rs727503446, ClinGen allele CA178058.
Genomic context (GRCh38, chr15:43,610,989, plus strand): 5'-ATACACACAGCTGGACCAGCACCTGTTGTACCCATATTTTTAACACCATCTTTAACCTGC[A>C]TGAGAATTGGTTGTGTGTGTGTGTGTGTGTGTGTGTGTGTGTGTGTGTGTAAGTGGGGAG-3'